The following is an entry in ClinVar:

NM_181552.4(CUX1):c.2579G>T (p.Gly860Val)

Gene: CUX1 (cut like homeobox 1; plus strand). Cytogenetic location: 7q22.1.
Variant type: single nucleotide variant.
Coding change: c.2579G>T on transcript NM_181552.4 (MANE Select); coding-DNA position 2579, G replaced by T.
Protein change: p.Gly860Val; replaces glycine 860 with valine.
Molecular consequence: missense variant. On other transcripts: intron variant (5).
Genome position (GRCh38, 1-based): chr7:102,201,876, G>T. VCF-style: chr7-102201876-G-T. GRCh37 (hg19) VCF-style: chr7-101845156-G-T.
Other names: c.2612G>T, p.Gly871Val (NM_001202543.2); c.1255+6273G>T (NM_001913.5); c.1249+6273G>T (NM_181500.4); c.1117+6273G>T (NM_001202545.3); c.1207+6273G>T (NM_001202544.3); c.1138+6273G>T (NM_001202546.3); short protein forms G860V, G871V.
Identifiers: ClinVar variation 4822390 (VCV004822390.4).
Genomic context (GRCh38, chr7:102,201,876, plus strand): 5'-AGGCCAAGGCCGAAGAAACGGGCGGCGGGAAAGAGAAGGGCAGCGGTGGCAGCGGAGGTG[G>T]CAGCCAGCCTCGGGCCGAGCGCAGTCAGCTCCAGGGACCCTCGTCGTCAGAGTACTGGAA-3'
Protein context (NP_853530.2, residues 850-870): KEKGSGGSGG[Gly860Val]SQPRAERSQL

ClinVar aggregate classification (germline): Likely benign (1 of 4 stars; one submission).

gnomAD v4.1: 37 of 1,613,332 alleles (0.0023%); highest among the groups gnomAD compares: Non-Finnish European, 0.003%; no homozygotes.

Submission:

CeGaT Center for Human Genetics Tuebingen
Classification: Likely benign. Last evaluated: 2026-01-01. Review status: criteria provided, single submitter. Criteria: CeGaT Center For Human Genetics Tuebingen Variant Classification Criteria Version 2. Collection method: clinical testing. Allele origin: germline. Affected: yes. Observed: 1 variant allele.
Comment: CUX1: BP4